The following is an entry in ClinVar:

ClinVar aggregate classification (germline): Likely benign (1 of 4 stars; one submission).

Conditions:
VPS13B-related disorder. Also called: VPS13B-related condition.

Submission:

PreventionGenetics, part of Exact Sciences
Classification: Likely benign for VPS13B-related condition. Last evaluated: 2025-06-25. Review status: criteria provided, single submitter. Criteria: ACMG Guidelines, 2015. Collection method: clinical testing. Allele origin: germline.
Comment: This variant is classified as likely benign based on ACMG/AMP sequence variant interpretation guidelines (Richards et al. 2015 PMID: 25741868, with internal and published modifications).

NM_152564.5(VPS13B):c.2515+16530T>C

Gene: VPS13B (vacuolar protein sorting 13 homolog B; plus strand). Cytogenetic location: 8q22.2.
Variant type: single nucleotide variant.
Coding change: c.2515+16530T>C on transcript NM_152564.5 (MANE Select); 16530 bases into the intron after coding-DNA position 2515, T replaced by C.
Molecular consequence: intron variant.
Genome position (GRCh38, 1-based): chr8:99,209,587, T>C. VCF-style: chr8-99209587-T-C. GRCh37 (hg19) VCF-style: chr8-100221815-T-C.
Other names: c.2515+16530T>C (NM_017890.5); c.2516-5T>C (NM_015243.3).
Identifiers: ClinVar variation 4980170 (VCV004980170.1).